The following is an entry in ClinVar:

NM_032608.7(MYO18B):c.3751G>A (p.Glu1251Lys)

Gene: MYO18B (myosin XVIIIB; plus strand). Cytogenetic location: 22q12.1.
Variant type: single nucleotide variant.
Coding change: c.3751G>A on transcript NM_032608.7 (MANE Select); coding-DNA position 3751, G replaced by A.
Protein change: p.Glu1251Lys; replaces glutamic acid 1251 with lysine.
Molecular consequence: missense variant.
Genome position (GRCh38, 1-based): chr22:25,847,628, G>A. VCF-style: chr22-25847628-G-A. GRCh37 (hg19) VCF-style: chr22-26243595-G-A.
Other names: c.3754G>A, p.Glu1252Lys (NM_001318245.2); short protein forms E1252K, E1251K.
Identifiers: ClinVar variation 1383793 (VCV001383793.4), dbSNP rs1307280302, ClinGen allele CA411000916.
Genomic context (GRCh38, chr22:25,847,628, plus strand): 5'-GGACCTCTGGCCCTGGATATCCCAGCACTGAGGGTCCAGCTTGCTGGGTTCCACATCCTG[G>A]AGGCTCTGCGTCTGCATAGGACAGGTAAGAGACAGCTAGGACACAGCACCTTGTCTCTGA-3'
Protein context (NP_115997.5, residues 1241-1261): RVQLAGFHIL[Glu1251Lys]ALRLHRTGYA

ClinVar aggregate classification (germline): Uncertain significance (1 of 4 stars; one submission).

Allele frequency attached by ClinVar (database versions not stated): gnomAD exomes below 0.00001 and 0.00001; TOPMed below 0.00001; gnomAD 0.00001.
gnomAD v4.1: 6 of 1,560,012 alleles (0.00038%); highest among the groups gnomAD compares: South Asian, 0.0012%; no homozygotes.

Submission:

Labcorp Genetics (formerly Invitae), Labcorp
Classification: Uncertain significance. Last evaluated: 2021-10-07. Review status: criteria provided, single submitter. Criteria: Invitae Variant Classification Sherloc (09022015). Collection method: clinical testing. Allele origin: germline.
Comment: In summary, the available evidence is currently insufficient to determine the role of this variant in disease. Therefore, it has been classified as a Variant of Uncertain Significance. Algorithms developed to predict the effect of missense changes on protein structure and function are either unavailable or do not agree on the potential impact of this missense change (SIFT: "Not Available"; PolyPhen-2: "Benign"; Align-GVGD: "Not Available"). This variant has not been reported in the literature in individuals affected with MYO18B-related conditions. This variant is not present in population databases (ExAC no frequency). This sequence change replaces glutamic acid with lysine at codon 1251 of the MYO18B protein (p.Glu1251Lys). The glutamic acid residue is moderately conserved and there is a small physicochemical difference between glutamic acid and lysine.